The following is an entry in ClinVar:

ClinVar aggregate classification (germline): Likely benign (1 of 4 stars; one submission).

gnomAD v4.1: 77 of 765,068 alleles (0.01%); highest among the groups gnomAD compares: Admixed American, 0.056%; 1 homozygote.

Submission:

CeGaT Center for Human Genetics Tuebingen
Classification: Likely benign. Last evaluated: 2026-04-01. Review status: criteria provided, single submitter. Criteria: CeGaT Center For Human Genetics Tuebingen Variant Classification Criteria Version 2. Collection method: clinical testing. Allele origin: germline. Affected: yes. Observed: 1 variant allele.
Comment: KDM4B: BP4

NM_015015.3(KDM4B):c.1115+700G>A

Gene: KDM4B (lysine demethylase 4B; plus strand). Cytogenetic location: 19p13.3.
Variant type: single nucleotide variant.
Coding change: c.1115+700G>A on transcript NM_015015.3 (MANE Select); 700 bases into the intron after coding-DNA position 1115, G replaced by A.
Molecular consequence: intron variant. On other transcripts: missense variant (1).
Genome position (GRCh38, 1-based): chr19:5,111,518, G>A. VCF-style: chr19-5111518-G-A. GRCh37 (hg19) VCF-style: chr19-5111529-G-A.
Other names: c.1259G>A, p.Gly420Glu (NM_001370093.1); c.1116-257G>A (NM_001370094.1); c.1115+700G>A (NM_001411148.1); short protein forms G420E.
Identifiers: ClinVar variation 4873209 (VCV004873209.2).